The following is an entry in ClinVar:

ClinVar aggregate classification (germline): Uncertain significance (1 of 4 stars; one submission).

gnomAD v4.1: 2 of 1,597,554 alleles (0.00013%); highest among the groups gnomAD compares: South Asian, 0.0011%; no homozygotes.

Submission:

Women's Health and Genetics/Laboratory Corporation of America, LabCorp
Classification: Uncertain significance. Last evaluated: 2025-02-11. Review status: criteria provided, single submitter. Criteria: LabCorp Variant Classification Summary - May 2015. Collection method: clinical testing. Allele origin: germline.
Comment: Variant summary: VPS13C c.8089A>G (p.Ser2697Gly) results in a non-conservative amino acid change in the encoded protein sequence. Three of five in-silico tools predict a benign effect of the variant on protein function. The variant allele was found at a frequency of 8.2e-06 in 245396 control chromosomes. The available data on variant occurrences in the general population are insufficient to allow any conclusion about variant significance. To our knowledge, no occurrence of c.8089A>G in individuals affected with Parkinson Disease 23, Autosomal Recessive Early-Onset and no experimental evidence demonstrating its impact on protein function have been reported. No submitters have cited clinical-significance assessments for this variant to ClinVar. Based on the evidence outlined above, the variant was classified as uncertain significance.

NM_020821.3(VPS13C):c.8089A>G (p.Ser2697Gly)

Gene: VPS13C (vacuolar protein sorting 13 homolog C; minus strand). Cytogenetic location: 15q22.2.
Variant type: single nucleotide variant.
Coding change: c.8089A>G on transcript NM_020821.3 (MANE Select); coding-DNA position 8089, A replaced by G.
Protein change: p.Ser2697Gly; replaces serine 2697 with glycine.
Molecular consequence: missense variant.
Genome position (GRCh38, 1-based): chr15:61,915,989, T>C on the plus strand (A>G on the coding strand, the complement: VPS13C is on the minus strand). VCF-style: chr15-61915989-T-C. GRCh37 (hg19) VCF-style: chr15-62208188-T-C.
Other names: c.8089A>G, p.Ser2697Gly (NM_001018088.3); c.7960A>G, p.Ser2654Gly (NM_017684.5, NM_018080.4); short protein forms S2654G, S2697G.
Identifiers: ClinVar variation 3768600 (VCV003768600.1).